The following is an entry in ClinVar:

NM_001190787.3(MCIDAS):c.521A>G (p.Asp174Gly)

Gene: MCIDAS (multiciliate differentiation and DNA synthesis associated cell cycle protein; minus strand). Cytogenetic location: 5q11.2.
Variant type: single nucleotide variant.
Coding change: c.521A>G on transcript NM_001190787.3 (MANE Select); coding-DNA position 521, A replaced by G.
Protein change: p.Asp174Gly; replaces aspartic acid 174 with glycine.
Molecular consequence: missense variant.
Genome position (GRCh38, 1-based): chr5:55,222,261, T>C on the plus strand (A>G on the coding strand, the complement: MCIDAS is on the minus strand). VCF-style: chr5-55222261-T-C. GRCh37 (hg19) VCF-style: chr5-54518089-T-C.
Other names: short protein forms D174G.
Identifiers: ClinVar variation 1933022 (VCV001933022.5), dbSNP rs1246951723, ClinGen allele CA359732566.

ClinVar aggregate classification (germline): Uncertain significance (1 of 4 stars; one submission).

Conditions:
Primary ciliary dyskinesia. Also called: Ciliary dyskinesia. Identifiers: Orphanet 244, MedGen C0008780, MONDO:0016575, HP:0012265.

Allele frequency attached by ClinVar (database versions not stated): TOPMed below 0.00001; gnomAD 0.00001.

Submission:

Labcorp Genetics (formerly Invitae), Labcorp
Classification: Uncertain significance for Primary ciliary dyskinesia. Last evaluated: 2022-02-16. Review status: criteria provided, single submitter. Criteria: Invitae Variant Classification Sherloc (09022015). Collection method: clinical testing. Allele origin: germline.
Comment: This variant is present in population databases (no rsID available, gnomAD 0.01%). This sequence change replaces aspartic acid, which is acidic and polar, with glycine, which is neutral and non-polar, at codon 174 of the MCIDAS protein (p.Asp174Gly). This variant has not been reported in the literature in individuals affected with MCIDAS-related conditions. Algorithms developed to predict the effect of missense changes on protein structure and function output the following: SIFT: "Tolerated"; PolyPhen-2: "Benign"; Align-GVGD: "Class C0". The glycine amino acid residue is found in multiple mammalian species, which suggests that this missense change does not adversely affect protein function. In summary, the available evidence is currently insufficient to determine the role of this variant in disease. Therefore, it has been classified as a Variant of Uncertain Significance.